The following is an entry in ClinVar:

ClinVar aggregate classification (germline): Benign/Likely benign. Review status: criteria provided, multiple submitters, no conflicts (2 of 4 stars). 11 submissions from 11 submitters: Benign (5); Likely benign (5). 1 of the submissions does not count toward it. Last evaluated 2026-01-28.

Conditions:
MYBPC3-related disorder. Also called: MYBPC3-related condition; MYBPC3-related disease; MYBPC3-related disorders.
Cardiovascular phenotype. Identifiers: MedGen CN230736.
Cardiomyopathy (CMYO). Also called: Cardiomyopathies. Identifiers: Orphanet 167848, MedGen C0878544, MONDO:0004994, HP:0001638. Inheritance: Various modes of inheritance.
Hypertrophic cardiomyopathy. Also called: HYPERTROPHIC MYOCARDIOPATHY. Identifiers: Orphanet 217569, MedGen C0007194, MeSH D002312, MONDO:0005045, HP:0001639.

Allele frequency attached by ClinVar (database versions not stated): gnomAD exomes 0.00004 and 0.00013; ExAC 0.00009; 1000 Genomes Project 30x 0.00016; 1000 Genomes Project 0.00020; ESP Exome Variant Server 0.00024; gnomAD 0.00062 and 0.00071; TOPMed 0.00065.

Submissions (11):

Labcorp Genetics (formerly Invitae), Labcorp
Classification: Benign for Hypertrophic cardiomyopathy. Last evaluated: 2026-01-28. Review status: criteria provided, single submitter. Criteria: Invitae Variant Classification Sherloc (09022015). Collection method: clinical testing. Allele origin: germline.

Mayo Clinic Laboratories, Mayo Clinic
Classification: Likely benign. Last evaluated: 2025-11-14. Review status: criteria provided, single submitter. Criteria: ACMG Guidelines, 2015. Collection method: clinical testing. Allele origin: germline. Observed: 1 variant allele.
Comment: BS1, BP4, BP7

Molecular Diagnostic Laboratory for Inherited Cardiovascular Disease, Montreal Heart Institute
Classification: Likely benign. Last evaluated: 2025-04-09. Review status: criteria provided, single submitter. Criteria: ACMG Guidelines, 2015. Collection method: clinical testing. Allele origin: germline. Affected: no.

Women's Health and Genetics/Laboratory Corporation of America, LabCorp
Classification: Benign. Last evaluated: 2025-03-24. Review status: criteria provided, single submitter. Criteria: LabCorp Variant Classification Summary - May 2015. Collection method: clinical testing. Allele origin: germline.
Comment: Variant summary: MYBPC3 c.2997C>T (p.Gly999Gly) alters a non-conserved nucleotide located close to a canonical splice site and therefore could affect mRNA splicing, leading to a significantly altered protein sequence. Several computational tools predict a significant impact on normal splicing: Two predict the variant weakens a cryptic 5' donor site. Three predict the variant creates a 5' donor site. However, these predictions have yet to be confirmed by functional studies. The variant allele was found at a frequency of 0.00013 in 229958 control chromosomes, predominantly at a frequency of 0.0017 within the African or African-American subpopulation in the gnomAD database. The observed variant frequency within African or African-American control individuals in the gnomAD database is approximately 1.7 fold of the estimated maximal expected allele frequency for a pathogenic variant in MYBPC3 causing Hypertrophic Cardiomyopathy phenotype (0.001). c.2997C>T has been reported in the presumed heterozygous state in the literature in individuals affected with dilated cardiomyopathy, without strong evidence for causality (example, Pugh_2014). These report(s) do not provide unequivocal conclusions about association of the variant with Hypertrophic Cardiomyopathy. To our knowledge, no experimental evidence demonstrating an impact on protein function has been reported. The following publication has been ascertained in the context of this evaluation (PMID: 24503780). ClinVar contains an entry for this variant (Variation ID: 42674). Based on the evidence outlined above, the variant was classified as benign.

Blueprint Genetics
Classification: Likely benign. Last evaluated: 2024-05-08. Review status: criteria provided, single submitter. Criteria: ACMG Guidelines, 2015. Collection method: clinical testing. Allele origin: germline.

Color Diagnostics, LLC DBA Color Health
Classification: Benign for Cardiomyopathy. Last evaluated: 2018-10-30. Review status: criteria provided, single submitter. Criteria: ACMG Guidelines, 2015. Collection method: clinical testing. Allele origin: germline.

Ambry Genetics
Classification: Likely benign for Cardiovascular phenotype. Last evaluated: 2018-09-05. Review status: criteria provided, single submitter. Criteria: Ambry Variant Classification Scheme 2023. Collection method: clinical testing. Allele origin: germline.

CHEO Genetics Diagnostic Laboratory, Children's Hospital of Eastern Ontario
Classification: Benign for Cardiomyopathy. Last evaluated: 2017-10-30. Review status: criteria provided, single submitter. Criteria: ACMG Guidelines, 2015. Collection method: clinical testing. Allele origin: germline. Study: Canadian Open Genetics Repository.

Laboratory for Molecular Medicine, Mass General Brigham Personalized Medicine
Classification: Likely benign. Last evaluated: 2015-08-21. Review status: criteria provided, single submitter. Criteria: LMM Criteria. Collection method: clinical testing. Allele origin: germline. Observed: 3 variant alleles.
Comment: p.Gly999Gly in exon 29 of MYBPC3: This variant is not expected to have clinical significance because it does not alter an amino acid residue and is not located within the splice consensus region. This variant has been identified in 0.1% (8/ 8424) of African chromosomes by the Exome Aggregation Consortium (ExAC; dbSNP rs377283955).

GeneDx
Classification: Benign. Last evaluated: 2013-06-12. Review status: criteria provided, single submitter. Criteria: GeneDx Variant Classification (06012015). Collection method: clinical testing. Allele origin: germline. Affected: yes.
Comment: This variant is considered likely benign or benign based on one or more of the following criteria: it is a conservative change, it occurs at a poorly conserved position in the protein, it is predicted to be benign by multiple in silico algorithms, and/or has population frequency not consistent with disease.

PreventionGenetics, part of Exact Sciences
Classification: Likely benign for MYBPC3-related condition. Last evaluated: 2019-09-30. Review status: no assertion criteria provided. Collection method: clinical testing. Allele origin: germline. Not counted in ClinVar's aggregate classification.
Comment: This variant is classified as likely benign based on ACMG/AMP sequence variant interpretation guidelines (Richards et al. 2015 PMID: 25741868, with internal and published modifications).

Literature cited by the submitters: PubMed 24503780 (cited by Women's Health and Genetics/Laboratory Corporation of America, LabCorp and Ambry Genetics).

NM_000256.3(MYBPC3):c.2997C>T (p.Gly999=)

Gene: MYBPC3 (myosin binding protein C3; minus strand). Cytogenetic location: 11p11.2.
Variant type: single nucleotide variant.
Coding change: c.2997C>T on transcript NM_000256.3 (MANE Select); coding-DNA position 2997, C replaced by T.
Protein change: p.Gly999=; no amino-acid change (glycine 999 retained).
Molecular consequence: synonymous variant.
Genome position (GRCh38, 1-based): chr11:47,333,750, G>A on the plus strand (C>T on the coding strand, the complement: MYBPC3 is on the minus strand). VCF-style: chr11-47333750-G-A. GRCh37 (hg19) VCF-style: chr11-47355301-G-A.
Other names: p.G999G:GGC>GGT; p.Gly999=.
Identifiers: ClinVar variation 42674 (VCV000042674.28), dbSNP rs377283955, ClinGen allele CA013301.